The following is an entry in ClinVar:

ClinVar aggregate classification (germline): Uncertain significance (1 of 4 stars; one submission).

Conditions:
Multiple endocrine neoplasia, type 1 (MEN1). Also called: MEN I; WERMER SYNDROME; Endocrine adenomatosis multiple; MEN 1; MEA I. Identifiers: Orphanet 652, MedGen C0025267, MeSH D018761, MONDO:0007540, OMIM 131100.

Submission:

Labcorp Genetics (formerly Invitae), Labcorp
Classification: Uncertain significance for Multiple endocrine neoplasia, type 1. Last evaluated: 2024-12-26. Review status: criteria provided, single submitter. Criteria: Invitae Variant Classification Sherloc (09022015). Collection method: clinical testing. Allele origin: germline.
Comment: This sequence change replaces lysine, which is basic and polar, with arginine, which is basic and polar, at codon 119 of the MEN1 protein (p.Lys119Arg). This variant is not present in population databases (gnomAD no frequency). This variant has not been reported in the literature in individuals affected with MEN1-related conditions. ClinVar contains an entry for this variant (Variation ID: 2850239). Invitae Evidence Modeling of protein sequence and biophysical properties (such as structural, functional, and spatial information, amino acid conservation, physicochemical variation, residue mobility, and thermodynamic stability) has been performed for this missense variant. However, the output from this modeling did not meet the statistical confidence thresholds required to predict the impact of this variant on MEN1 protein function. In summary, the available evidence is currently insufficient to determine the role of this variant in disease. Therefore, it has been classified as a Variant of Uncertain Significance.

NM_001370259.2(MEN1):c.356A>G (p.Lys119Arg)

Gene: MEN1 (menin 1; minus strand). Cytogenetic location: 11q13.1.
Variant type: single nucleotide variant.
Coding change: c.356A>G on transcript NM_001370259.2 (MANE Select); coding-DNA position 356, A replaced by G.
Protein change: p.Lys119Arg; replaces lysine 119 with arginine.
Molecular consequence: missense variant. On other transcripts: non-coding transcript variant (4).
Genome position (GRCh38, 1-based): chr11:64,809,754, T>C on the plus strand (A>G on the coding strand, the complement: MEN1 is on the minus strand). VCF-style: chr11-64809754-T-C. GRCh37 (hg19) VCF-style: chr11-64577226-T-C.
Other names: c.356A>G, p.Lys119Arg (NM_000244.4, NM_001370251.2, NM_001370260.2 and 20 more transcripts); short protein forms K119R.
Identifiers: ClinVar variation 2850239 (VCV002850239.3), dbSNP rs2136182121, ClinGen allele CA381187341.